The following is an entry in ClinVar:

NM_004006.3(DMD):c.958C>G (p.Gln320Glu)

Gene: DMD (dystrophin; minus strand). Cytogenetic location: Xp21.1.
Variant type: single nucleotide variant.
Coding change: c.958C>G on transcript NM_004006.3 (MANE Select); coding-DNA position 958, C replaced by G.
Protein change: p.Gln320Glu; replaces glutamine 320 with glutamic acid.
Molecular consequence: missense variant.
Genome position (GRCh38, 1-based): chrX:32,697,872, G>C on the plus strand (C>G on the coding strand, the complement: DMD is on the minus strand). VCF-style: chrX-32697872-G-C. GRCh37 (hg19) VCF-style: chrX-32715989-G-C.
Other names: c.934C>G, p.Gln312Glu (NM_000109.4); c.946C>G, p.Gln316Glu (NM_004009.3); c.589C>G, p.Gln197Glu (NM_004010.3); short protein forms Q316E, Q312E, Q197E, Q320E.
Identifiers: ClinVar variation 3730014 (VCV003730014.2).

ClinVar aggregate classification (germline): Uncertain significance (1 of 4 stars; one submission).

Conditions:
Duchenne muscular dystrophy (DMD). Also called: Duchenne Muscular Dystrophy (DMD); MUSCULAR DYSTROPHY, PSEUDOHYPERTROPHIC PROGRESSIVE, DUCHENNE TYPE. Identifiers: Orphanet 98896, MedGen C0013264, MONDO:0010679, OMIM 310200.

gnomAD v4.1: 12 of 1,210,714 alleles (0.00099%); highest among the groups gnomAD compares: South Asian, 0.019%; no homozygotes.

Submission:

Labcorp Genetics (formerly Invitae), Labcorp
Classification: Uncertain significance for Duchenne muscular dystrophy. Last evaluated: 2025-02-05. Review status: criteria provided, single submitter. Criteria: Invitae Variant Classification Sherloc (09022015). Collection method: clinical testing. Allele origin: germline.
Comment: This sequence change replaces glutamine, which is neutral and polar, with glutamic acid, which is acidic and polar, at codon 320 of the DMD protein (p.Gln320Glu). This variant is present in population databases (rs762379765, gnomAD 0.02%). This variant has not been reported in the literature in individuals affected with DMD-related conditions. An algorithm developed to predict the effect of missense changes on protein structure and function (PolyPhen-2) suggests that this variant is likely to be tolerated. In summary, the available evidence is currently insufficient to determine the role of this variant in disease. Therefore, it has been classified as a Variant of Uncertain Significance.